The following is an entry in ClinVar:

ClinVar aggregate classification (germline): Likely benign (1 of 4 stars; one submission).

Submission:

Women's Health and Genetics/Laboratory Corporation of America, LabCorp
Classification: Likely benign. Last evaluated: 2026-04-17. Review status: criteria provided, single submitter. Criteria: LabCorp Variant Classification Summary - May 2015. Collection method: clinical testing. Allele origin: germline.
Comment: Variant summary: IRF3 c.602-12_602-4delGCCGCTGCT alters a conserved nucleotide located at a position not widely known to affect splicing. Consensus agreement among computation tools predict no significant impact on normal splicing. However, these predictions have yet to be confirmed by functional studies. The variant allele was found at a frequency of 1.2e-05 in 249818 control chromosomes. The available data on variant occurrences in the general population are insufficient to allow any conclusion about variant significance. To our knowledge, no occurrence of c.602-12_602-4delGCCGCTGCT in individuals affected with IRF3-related conditions and no experimental evidence demonstrating its impact on protein function have been reported. No submitters have cited clinical-significance assessments for this variant to ClinVar. Based on the evidence outlined above, the variant was classified as likely benign.

NM_001571.6(IRF3):c.602-12_602-4del

Gene: IRF3 (interferon regulatory factor 3; minus strand). Cytogenetic location: 19q13.33.
Variant type: Microsatellite.
Coding change: c.602-12_602-4del on transcript NM_001571.6 (MANE Select); 12 bases into the intron before coding-DNA position 602 through 4 bases into the intron before coding-DNA position 602, 9 bases deleted (GCCGCTGCT; older notation c.602-12_602-4delGCCGCTGCT).
Molecular consequence: intron variant.
Genome position (GRCh38, 1-based): chr19:49,662,332-49,662,340, AGCAGCGGC deleted on the plus strand (GCCGCTGCT on the coding strand, the reverse complement: IRF3 is on the minus strand); deleting any 9 consecutive bases within chr19:49,662,332-49,662,350 gives the same sequence; the c. name uses the placement nearest the transcript's 3' end. VCF-style (leftmost placement, unchanged base first): chr19-49662331-GAGCAGCGGC-G. GRCh37 (hg19) VCF-style: chr19-50165588-GAGCAGCGGC-G.
Other names: c.163+85_163+93del (NM_001197128.2, NM_001197127.2); c.164-12_164-4del (NM_001197126.2, NM_001197125.2); c.497-12_497-4del (NM_001197123.2); c.601+85_601+93del (NM_001197124.2); c.602-12_602-4del (NM_001197122.2); c.602-12_602-4delGCCGCTGCT (NM_001571.6).
Identifiers: ClinVar variation 4848466 (VCV004848466.1).